The following is an entry in ClinVar:

NM_000081.4(LYST):c.2158C>T (p.Gln720Ter)

Gene: LYST (lysosomal trafficking regulator; minus strand). Cytogenetic location: 1q42.3.
Variant type: single nucleotide variant.
Coding change: c.2158C>T on transcript NM_000081.4 (MANE Select); coding-DNA position 2158, C replaced by T.
Protein change: p.Gln720Ter; replaces glutamine 720 with a stop codon.
Molecular consequence: nonsense.
Genome position (GRCh38, 1-based): chr1:235,808,660, G>A on the plus strand (C>T on the coding strand, the complement: LYST is on the minus strand). VCF-style: chr1-235808660-G-A. GRCh37 (hg19) VCF-style: chr1-235971960-G-A.
Other names: c.2158C>T, p.Gln720Ter (NM_001301365.1); short protein forms Q720*.
Identifiers: ClinVar variation 2126670 (VCV002126670.4), dbSNP rs1316749927, ClinGen allele CA344958959.

ClinVar aggregate classification (germline): Pathogenic (1 of 4 stars; one submission).

Conditions:
Chédiak-Higashi syndrome (CHS). Also called: Chediak-Higashi Syndrome. Identifiers: Orphanet 167, MedGen C0007965, MONDO:0008963, OMIM 214500.

Allele frequency attached by ClinVar (database versions not stated): gnomAD exomes below 0.00001.
gnomAD v4.1: 3 of 1,613,222 alleles (0.00019%); highest among the groups gnomAD compares: Non-Finnish European, 0.00025%; no homozygotes.

Submission:

Labcorp Genetics (formerly Invitae), Labcorp
Classification: Pathogenic for Chédiak-Higashi syndrome. Last evaluated: 2022-04-16. Review status: criteria provided, single submitter. Criteria: Invitae Variant Classification Sherloc (09022015). Collection method: clinical testing. Allele origin: germline.
Comment: This variant is present in population databases (no rsID available, gnomAD 0.0009%). This sequence change creates a premature translational stop signal (p.Gln720*) in the LYST gene. It is expected to result in an absent or disrupted protein product. Loss-of-function variants in LYST are known to be pathogenic (PMID: 9215679, 11857544). This variant has not been reported in the literature in individuals affected with LYST-related conditions. For these reasons, this variant has been classified as Pathogenic.

Literature cited by the submitters: PubMed 9215679; PubMed 11857544.